The following is an entry in ClinVar:

NM_020884.7(MYH7B):c.805+8_805+9delinsCG

Gene: MYH7B (myosin heavy chain 7B; plus strand). Cytogenetic location: 20q11.22.
Variant type: Indel.
Coding change: c.805+8_805+9delinsCG on transcript NM_020884.7 (MANE Select); bases 8 to 9 of the intron after coding-DNA position 805, AA replaced by CG.
Molecular consequence: intron variant.
Genome position (GRCh38, 1-based): chr20:34,985,137-34,985,138, AA replaced by CG. VCF-style: chr20-34985137-AA-CG. GRCh37 (hg19) VCF-style: chr20-33572940-AA-CG.
Identifiers: ClinVar variation 1945507 (VCV001945507.5), dbSNP rs2519133099, ClinGen allele CA2580098111.

ClinVar aggregate classification (germline): Uncertain significance (1 of 4 stars; one submission).

Submission:

Labcorp Genetics (formerly Invitae), Labcorp
Classification: Uncertain significance. Last evaluated: 2022-09-21. Review status: criteria provided, single submitter. Criteria: Invitae Variant Classification Sherloc (09022015). Collection method: clinical testing. Allele origin: germline.
Comment: This sequence change falls in intron 13 of the MYH7B gene. It does not directly change the encoded amino acid sequence of the MYH7B protein. In summary, the available evidence is currently insufficient to determine the role of this variant in disease. Therefore, it has been classified as a Variant of Uncertain Significance. Experimental studies and prediction algorithms are not available or were not evaluated, and the effect of this variant on mRNA splicing is currently unknown. This variant has not been reported in the literature in individuals affected with MYH7B-related conditions. Information on the frequency of this variant in the gnomAD database is not available, as this variant may be reported differently in the database.